The following is an entry in ClinVar:

ClinVar aggregate classification (germline): Pathogenic (1 of 4 stars; one submission).

Allele frequency attached by ClinVar (database versions not stated): gnomAD exomes below 0.00001.

Submission:

Labcorp Genetics (formerly Invitae), Labcorp
Classification: Pathogenic. Last evaluated: 2025-03-07. Review status: criteria provided, single submitter. Criteria: Invitae Variant Classification Sherloc (09022015). Collection method: clinical testing. Allele origin: germline.
Comment: This sequence change creates a premature translational stop signal (p.Cys1344Serfs*218) in the NOTCH3 gene. It is expected to result in an absent or disrupted protein product. Loss-of-function variants in NOTCH3 are known to be pathogenic (PMID: 25870235, 32980981, 38824264). This variant is not present in population databases (gnomAD no frequency). This premature translational stop signal has been observed in individual(s) with ischemic stroke (PMID: 37479695). ClinVar contains an entry for this variant (Variation ID: 1964018). For these reasons, this variant has been classified as Pathogenic.

Literature cited by the submitters: PubMed 25870235; PubMed 32980981; PubMed 38824264; PubMed 37479695.

NM_000435.3(NOTCH3):c.4029_4030del (p.Cys1344fs)

Gene: NOTCH3 (notch receptor 3; minus strand). Cytogenetic location: 19p13.12.
Variant type: Deletion.
Coding change: c.4029_4030del on transcript NM_000435.3 (MANE Select); coding-DNA positions 4029 to 4030, 2 bases deleted (CT; older notation c.4029_4030delCT).
Protein change: p.Cys1344fs; shifts the reading frame from cysteine 1344.
Molecular consequence: frameshift variant.
Genome position (GRCh38, 1-based): chr19:15,177,898-15,177,899, AG deleted on the plus strand (CT on the coding strand, the reverse complement: NOTCH3 is on the minus strand). VCF-style (leftmost placement, unchanged base first): chr19-15177897-CAG-C. GRCh37 (hg19) VCF-style: chr19-15288708-CAG-C.
Other names: short protein forms C1344fs.
Identifiers: ClinVar variation 1964018 (VCV001964018.5), dbSNP rs2512637780, ClinGen allele CA2580096656.
Genomic context (GRCh38, chr19:15,177,897, plus strand): 5'-GCGCAAGCGCAGCGGAAGAAGGGCGCGAGCGGCGCGGGGCGGCAGGAGCCCCCGTGGAGA[CAG>C]GGGGCGGCCGCGCAGCTGGCGTTGCTGGCCCCCGGCGGCGACCCCGGGAAGCTGCGGCAG-3'